The following is an entry in ClinVar:

ClinVar aggregate classification (germline): Uncertain significance (1 of 4 stars; one submission).

Allele frequency attached by ClinVar (database versions not stated): gnomAD exomes below 0.00001.
gnomAD v4.1: 6 of 1,613,900 alleles (0.00037%); highest among the groups gnomAD compares: Non-Finnish European, 0.00051%; no homozygotes.

Submission:

Labcorp Genetics (formerly Invitae), Labcorp
Classification: Uncertain significance. Last evaluated: 2023-12-06. Review status: criteria provided, single submitter. Criteria: Invitae Variant Classification Sherloc (09022015). Collection method: clinical testing. Allele origin: germline.
Comment: This sequence change replaces threonine, which is neutral and polar, with serine, which is neutral and polar, at codon 369 of the ARCN1 protein (p.Thr369Ser). This variant is present in population databases (no rsID available, gnomAD 0.02%). This variant has not been reported in the literature in individuals affected with ARCN1-related conditions. An algorithm developed to predict the effect of missense changes on protein structure and function (PolyPhen-2) suggests that this variant is likely to be tolerated. In summary, the available evidence is currently insufficient to determine the role of this variant in disease. Therefore, it has been classified as a Variant of Uncertain Significance.

NM_001655.5(ARCN1):c.1105A>T (p.Thr369Ser)

Gene: ARCN1 (archain 1 coat protein complex I subunit delta; plus strand). Cytogenetic location: 11q23.3.
Variant type: single nucleotide variant.
Coding change: c.1105A>T on transcript NM_001655.5 (MANE Select); coding-DNA position 1105, A replaced by T.
Protein change: p.Thr369Ser; replaces threonine 369 with serine.
Molecular consequence: missense variant.
Genome position (GRCh38, 1-based): chr11:118,592,829, A>T. VCF-style: chr11-118592829-A-T. GRCh37 (hg19) VCF-style: chr11-118463544-A-T.
Other names: c.841A>T, p.Thr281Ser (NM_001142281.2, NM_001425081.1); c.1105A>T, p.Thr369Ser (NM_001425073.1, NM_001425078.1); c.1102A>T, p.Thr368Ser (NM_001425074.1, NM_001425079.1); c.1048A>T, p.Thr350Ser (NM_001425075.1); c.1036A>T, p.Thr346Ser (NM_001425076.1); c.940A>T, p.Thr314Ser (NM_001425077.1); c.661A>T, p.Thr221Ser (NM_001425080.1); short protein forms T221S, T346S, T369S, T368S, T281S, T314S, T350S.
Identifiers: ClinVar variation 2867282 (VCV002867282.3), dbSNP rs369324137, ClinGen allele CA382813147.